The following is an entry in ClinVar:

ClinVar aggregate classification (germline): Likely benign (0 of 4 stars; one submission).

Conditions:
KCNC2-related disorder.

gnomAD v4.1: 84 of 1,611,026 alleles (0.0052%); highest among the groups gnomAD compares: Non-Finnish European, 0.007%; 1 homozygote.

Submission:

PreventionGenetics, part of Exact Sciences
Classification: Likely benign for KCNC2-related condition. Last evaluated: 2024-03-28. Review status: no assertion criteria provided. Collection method: clinical testing. Allele origin: germline.
Comment: This variant is classified as likely benign based on ACMG/AMP sequence variant interpretation guidelines (Richards et al. 2015 PMID: 25741868, with internal and published modifications).

NM_139137.4(KCNC2):c.*6A>G

Gene: KCNC2 (potassium voltage-gated channel subfamily C member 2; minus strand). Cytogenetic location: 12q21.1.
Variant type: single nucleotide variant.
Coding change: c.*6A>G on transcript NM_139137.4 (MANE Select); 6 bases downstream of the stop codon, A replaced by G.
Molecular consequence: 3 prime UTR variant. On other transcripts: non-coding transcript variant (1), intron variant (6).
Genome position (GRCh38, 1-based): chr12:75,043,099, T>C on the plus strand (A>G on the coding strand, the complement: KCNC2 is on the minus strand). VCF-style: chr12-75043099-T-C. GRCh37 (hg19) VCF-style: chr12-75436879-T-C.
Other names: c.*638A>G (NM_001260497.2, NM_001414197.1, NM_001414198.1); c.*6A>G (NM_001260499.2, NM_001414192.1, NM_001414193.1 and 1 more transcripts); c.*188A>G (NM_001414202.1); c.*760A>G (NM_001414206.1, NM_001414213.1); c.1616-1651A>G (NM_001414199.1); c.1616-725A>G (NM_153748.3); c.1781-1893A>G (NM_001260498.2); c.1781-725A>G (NM_139136.4, NM_001414196.1, NM_001414195.1).
Identifiers: ClinVar variation 3358398 (VCV003358398.1).